The following is an entry in ClinVar:

ClinVar aggregate classification (germline): Uncertain significance (1 of 4 stars; one submission).

Conditions:
Neurodevelopmental disorder with impaired speech and hyperkinetic movements. Identifiers: MedGen C5193088, MONDO:0032741, OMIM 618425.

Allele frequency attached by ClinVar (database versions not stated): ExAC 0.00001.
gnomAD v4.1: 2 of 1,614,122 alleles (0.00012%); no homozygotes.

Submission:

Neuberg Centre For Genomic Medicine, NCGM
Classification: Uncertain significance for Neurodevelopmental disorder with impaired speech and hyperkinetic movements. Review status: criteria provided, single submitter. Criteria: ACMG Guidelines, 2015. Collection method: clinical testing. Allele origin: germline. Inheritance: Autosomal recessive inheritance. Affected: yes.
Comment: The missense variant in c.2551A>G in ZNF142 gene has not been reported previously as a pathogenic variant nor as a benign variant, to our knowledge. The p.Ser851Gly variant is novel (not in any individuals) in gnomAD Exomes and 1000 Genomes. This variant has not been reported to the ClinVar database. The amino acid change p.Ser851Gly in ZNF142 is predicted as conserved by GERP++ and PhyloP across 100 vertebrates. The amino acid Ser at position 851 is changed to a Gly changing protein sequence and it might alter its composition and physico-chemical properties. For these reasons, this variant has been classified as Uncertain Significance (VUS).

NM_001379659.1(ZNF142):c.2551A>G (p.Ser851Gly)

Gene: ZNF142 (zinc finger protein 142; minus strand). Cytogenetic location: 2q35.
Variant type: single nucleotide variant.
Coding change: c.2551A>G on transcript NM_001379659.1 (MANE Select); coding-DNA position 2551, A replaced by G.
Protein change: p.Ser851Gly; replaces serine 851 with glycine.
Molecular consequence: missense variant.
Genome position (GRCh38, 1-based): chr2:218,644,565, T>C on the plus strand (A>G on the coding strand, the complement: ZNF142 is on the minus strand). VCF-style: chr2-218644565-T-C. GRCh37 (hg19) VCF-style: chr2-219509288-T-C.
Other names: c.1951A>G, p.Ser651Gly (NM_001105537.5, NM_001366291.3, NM_001379662.1); c.1462A>G, p.Ser488Gly (NM_001366287.3, NM_001366288.3, NM_001366289.3); c.2551A>G, p.Ser851Gly (NM_001366290.3, NM_001379660.1, NM_001379661.1); short protein forms S651G, S488G, S851G.
Identifiers: ClinVar variation 2584849 (VCV002584849.1), dbSNP rs764285635, ClinGen allele CA2109138.